The following is an entry in ClinVar:

ClinVar aggregate classification (germline): Likely benign. Review status: criteria provided, single submitter (1 of 4 stars). 2 submissions from 2 submitters: Likely benign (1). 1 of the submissions does not count toward it. Last evaluated 2025-06-29.

Conditions:
SEMA3E-related disorder. Also called: SEMA3E-related condition.
CHARGE syndrome (CHARGE). Also called: Hittner Hirsch Kreh syndrome; Coloboma, heart anomaly, choanal atresia, retardation, genital and ear anomalies; CHARGE association; Hall-Hittner syndrome; CHARGE ASSOCIATION--COLOBOMA, HEART ANOMALY, CHOANAL ATRESIA, RETARDATION, GENITAL AND EAR ANOMALIES. Identifiers: Orphanet 138, MedGen C0265354, MONDO:0008965.

Allele frequency attached by ClinVar (database versions not stated): ExAC 0.00001; TOPMed 0.00004; ESP Exome Variant Server 0.00008.
gnomAD v4.1: 16 of 1,613,750 alleles (0.00099%); highest among the groups gnomAD compares: Admixed American, 0.0033%; no homozygotes.

Submissions (2):

Labcorp Genetics (formerly Invitae), Labcorp
Classification: Likely benign for CHARGE syndrome. Last evaluated: 2025-06-29. Review status: criteria provided, single submitter. Criteria: Invitae Variant Classification Sherloc (09022015). Collection method: clinical testing. Allele origin: germline.

PreventionGenetics, part of Exact Sciences
Classification: Likely benign for SEMA3E-related condition. Last evaluated: 2023-09-22. Review status: no assertion criteria provided. Collection method: clinical testing. Allele origin: germline. Not counted in ClinVar's aggregate classification.
Comment: This variant is classified as likely benign based on ACMG/AMP sequence variant interpretation guidelines (Richards et al. 2015 PMID: 25741868, with internal and published modifications).

NM_012431.3(SEMA3E):c.1341A>G (p.Gln447=)

Gene: SEMA3E (semaphorin 3E; minus strand). Cytogenetic location: 7q21.11.
Variant type: single nucleotide variant.
Coding change: c.1341A>G on transcript NM_012431.3 (MANE Select); coding-DNA position 1341, A replaced by G.
Protein change: p.Gln447=; no amino-acid change (glutamine 447 retained).
Molecular consequence: synonymous variant.
Genome position (GRCh38, 1-based): chr7:83,400,053, T>C on the plus strand (A>G on the coding strand, the complement: SEMA3E is on the minus strand). VCF-style: chr7-83400053-T-C. GRCh37 (hg19) VCF-style: chr7-83029369-T-C.
Other names: c.1161A>G, p.Gln387= (NM_001178129.2).
Identifiers: ClinVar variation 953722 (VCV000953722.11), dbSNP rs149235216, ClinGen allele CA4322062.